The following is an entry in ClinVar:

ClinVar aggregate classification (germline): Uncertain significance (1 of 4 stars; one submission).

Conditions:
Baraitser-Winter syndrome 1 (BRWS1). Also called: BARAITSER-WINTER SYNDROME 1, ATYPICAL; Cerebrofrontofacial syndrome; PACHYGYRIA, MENTAL RETARDATION, EPILEPSY, AND CHARACTERISTIC FACIES; MENTAL RETARDATION WITH EPILEPSY AND CHARACTERISTIC FACIES. Identifiers: Orphanet 2649, Orphanet 2995, MedGen C1855722, MONDO:0009470, OMIM 243310.

Submission:

Baylor Genetics
Classification: Uncertain significance for Baraitser-Winter syndrome 1. Last evaluated: 2020-10-30. Review status: criteria provided, single submitter. Criteria: ACMG Guidelines, 2015. Collection method: clinical testing. Allele origin: unknown. Affected: yes.
Comment: This variant was determined to be of uncertain significance according to ACMG Guidelines, 2015 [PMID:25741868].

NM_001101.5(ACTB):c.880T>G (p.Tyr294Asp)

Gene: ACTB (actin beta; minus strand). Cytogenetic location: 7p22.1.
Variant type: single nucleotide variant.
Coding change: c.880T>G on transcript NM_001101.5 (MANE Select); coding-DNA position 880, T replaced by G.
Protein change: p.Tyr294Asp; replaces tyrosine 294 with aspartic acid.
Molecular consequence: missense variant.
Genome position (GRCh38, 1-based): chr7:5,528,108, A>C on the plus strand (T>G on the coding strand, the complement: ACTB is on the minus strand). VCF-style: chr7-5528108-A-C. GRCh37 (hg19) VCF-style: chr7-5567739-A-C.
Other names: short protein forms Y294D.
Identifiers: ClinVar variation 1029077 (VCV001029077.1), dbSNP rs1784804578, ClinGen allele CA366700277.